The following is an entry in ClinVar:

ClinVar aggregate classification (germline): Pathogenic. Review status: criteria provided, multiple submitters, no conflicts (2 of 4 stars). 3 submissions from 3 submitters: Pathogenic (3). Last evaluated 2023-05-31.

Conditions:
Fanconi anemia complementation group J. Also called: BRIP1-Related Fanconi Anemia. Identifiers: Orphanet 84, MedGen C1836860, MONDO:0012187, OMIM 609054.
Familial cancer of breast. Also called: BREAST CANCER, FAMILIAL; hereditary breast carcinoma; Hereditary breast cancer. Identifiers: Orphanet 227535, MedGen C0346153, MONDO:0016419, OMIM 114480. Disease mechanism: loss of function.
Hereditary cancer-predisposing syndrome. Also called: Neoplastic Syndromes, Hereditary; Hereditary neoplastic syndrome; Tumor predisposition; Hereditary Cancer Syndrome. Identifiers: Orphanet 140162, MedGen C0027672, MeSH D009386, MONDO:0015356.

Submissions (3):

Myriad Genetics, Inc.
Classification: Pathogenic for Familial cancer of breast. Last evaluated: 2023-05-31. Review status: criteria provided, single submitter. Criteria: Myriad Autosomal Dominant, Autosomal Recessive and X-Linked Classification Criteria (2023). Collection method: clinical testing. Allele origin: unknown.
Comment: This variant is considered pathogenic. This variant creates a termination codon and is predicted to result in premature protein truncation.

Ambry Genetics
Classification: Pathogenic for Hereditary cancer-predisposing syndrome. Last evaluated: 2022-12-20. Review status: criteria provided, single submitter. Criteria: Ambry Variant Classification Scheme 2023. Collection method: clinical testing. Allele origin: germline.
Comment: The p.E150* variant (also known as c.448G>T), located in coding exon 4 of the BRIP1 gene, results from a G to T substitution at nucleotide position 448. This changes the amino acid from a glutamic acid to a stop codon within coding exon 4. This alteration is expected to result in loss of function by premature protein truncation or nonsense-mediated mRNA decay. As such, this alteration is interpreted as a disease-causing mutation.

Labcorp Genetics (formerly Invitae), Labcorp
Classification: Pathogenic for Familial cancer of breast; Fanconi anemia complementation group J. Last evaluated: 2020-12-26. Review status: criteria provided, single submitter. Criteria: Invitae Variant Classification Sherloc (09022015). Collection method: clinical testing. Allele origin: germline.
Comment: For these reasons, this variant has been classified as Pathogenic. Loss-of-function variants in BRIP1 are known to be pathogenic (PMID: 16116423, 17033622, 21964575). This variant has not been reported in the literature in individuals with BRIP1-related conditions. ClinVar contains an entry for this variant (Variation ID: 530302). This sequence change creates a premature translational stop signal (p.Glu150*) in the BRIP1 gene. It is expected to result in an absent or disrupted protein product. This variant is not present in population databases (ExAC no frequency).

Literature cited by the submitters: PubMed 16116423 (cited by Labcorp Genetics (formerly Invitae), Labcorp); PubMed 17033622 (cited by Labcorp Genetics (formerly Invitae), Labcorp); PubMed 21964575 (cited by Labcorp Genetics (formerly Invitae), Labcorp).

NM_032043.3(BRIP1):c.448G>T (p.Glu150Ter)

Gene: BRIP1 (BRCA1 interacting DNA helicase 1; minus strand). Cytogenetic location: 17q23.2.
Variant type: single nucleotide variant.
Coding change: c.448G>T on transcript NM_032043.3 (MANE Select); coding-DNA position 448, G replaced by T.
Protein change: p.Glu150Ter; replaces glutamic acid 150 with a stop codon.
Molecular consequence: nonsense.
Genome position (GRCh38, 1-based): chr17:61,849,188, C>A on the plus strand (G>T on the coding strand, the complement: BRIP1 is on the minus strand). VCF-style: chr17-61849188-C-A. GRCh37 (hg19) VCF-style: chr17-59926549-C-A.
Other names: short protein forms E150*.
Identifiers: ClinVar variation 530302 (VCV000530302.12), dbSNP rs762701532, ClinGen allele CA400484474.